The following is an entry in ClinVar:

ClinVar aggregate classification (germline): Conflicting classifications of pathogenicity. Review status: criteria provided, conflicting classifications (1 of 4 stars). 3 submissions from 3 submitters: Uncertain significance (2); Likely benign (1). Last evaluated 2025-05-23.

Allele frequency attached by ClinVar (database versions not stated): gnomAD exomes 0.00001 and 0.00004; ExAC 0.00007; ESP Exome Variant Server 0.00015; TOPMed 0.00015; 1000 Genomes Project 30x 0.00016; gnomAD 0.00018 and 0.00019; 1000 Genomes Project 0.00020.
gnomAD v4.1: 46 of 1,614,204 alleles (0.0028%); highest among the groups gnomAD compares: African/African-American, 0.055%; no homozygotes.

Submissions (3):

Labcorp Genetics (formerly Invitae), Labcorp
Classification: Likely benign. Last evaluated: 2025-05-23. Review status: criteria provided, single submitter. Criteria: Invitae Variant Classification Sherloc (09022015). Collection method: clinical testing. Allele origin: germline.

GeneDx
Classification: Uncertain significance. Last evaluated: 2021-07-09. Review status: criteria provided, single submitter. Criteria: GeneDx Variant Classification Process June 2021. Collection method: clinical testing. Allele origin: germline. Affected: yes.
Comment: In silico analysis supports a deleterious effect on splicing; Has not been previously published as pathogenic or benign to our knowledge; This variant is associated with the following publications: (PMID: 27535533)

Laboratory for Molecular Medicine, Mass General Brigham Personalized Medicine
Classification: Uncertain significance. Last evaluated: 2013-10-11. Review status: criteria provided, single submitter. Criteria: LMM Criteria. Collection method: clinical testing. Allele origin: germline. Observed: 1 variant allele.
Comment: Variant classified as Uncertain Significance - Favor Benign. The 431-12T>G varia nt in SERPINB6 has not been previously reported in individuals with hearing loss , but has been identified in 0.04% (2/4406) of African American chromosomes by t he NHLBI Exome Sequencing Project (dbSNP rs3 70453956). This variant is located in the 3' splice site consensus region. Compu tational tools do not suggest and impact to splicing; however, this information is not predictive enough to rule out pathogenicity. In summary, additional infor mation is needed to determine the clinical significance of this variant.

NM_004568.6(SERPINB6):c.431-12T>G

Gene: SERPINB6 (serpin family B member 6; minus strand). Cytogenetic location: 6p25.2.
Variant type: single nucleotide variant.
Coding change: c.431-12T>G on transcript NM_004568.6 (MANE Select); 12 bases into the intron before coding-DNA position 431, T replaced by G.
Molecular consequence: intron variant.
Genome position (GRCh38, 1-based): chr6:2,953,198, A>C on the plus strand (T>G on the coding strand, the complement: SERPINB6 is on the minus strand). VCF-style: chr6-2953198-A-C. GRCh37 (hg19) VCF-style: chr6-2953432-A-C.
Other names: c.431-12T>G (NM_001297700.2, NM_001271824.2, NM_001297699.2 and 2 more transcripts); c.443-12T>G (NM_001195291.3, NM_001374515.1); c.473-12T>G (NM_001271822.2); c.488-12T>G (NM_001271823.2); c.299-12T>G (NM_001374517.1).
Identifiers: ClinVar variation 165190 (VCV000165190.8), dbSNP rs370453956, ClinGen allele CA177911.